The following is an entry in ClinVar:

ClinVar aggregate classification (germline): Uncertain significance (1 of 4 stars; one submission).

Conditions:
Cardiac-urogenital syndrome (CUGS). Also called: MYRF-Related Cardiac Urogenital Syndrome. Identifiers: Orphanet 647811, MedGen C4748946, MONDO:0032653, OMIM 618280.
Nanophthalmos 1 (TMEM98). Also called: NNO1; MICROPHTHALMOS, SIMPLE, AUTOSOMAL DOMINANT; NANOPHTHALMIA 1; NANOPHTHALMOS WITH HIGH HYPEROPIA AND ANGLE-CLOSURE GLAUCOMA; NANOPHTHALMOS, AUTOSOMAL DOMINANT. Identifiers: Orphanet 35612, MedGen C1838502, MONDO:0010836, OMIM 600165.
Encephalitis/encephalopathy, mild, with reversible myelin vacuolization. Also called: ENCEPHALITIS/ENCEPHALOPATHY, MILD, WITH REVERSIBLE SPLENIAL LESION. Identifiers: MedGen C4722446, MONDO:0020853, OMIM 618113.

Submission:

Juno Genomics, Hangzhou Juno Genomics, Inc
Classification: Uncertain significance for Cardiac-urogenital syndrome; Encephalitis/encephalopathy, mild, with reversible myelin vacuolization; Nanophthalmos 1. Review status: criteria provided, single submitter. Criteria: ACMG Guidelines, 2015. Collection method: clinical testing. Allele origin: germline.
Comment: Absent from controls (or at extremely low frequency if recessive) in Genome Aggregation Database.;Missense variant in a gene that has a low rate of benign missense variation.

NM_001127392.3(MYRF):c.1771G>C (p.Ala591Pro)

Gene: MYRF (myelin regulatory factor; plus strand). Cytogenetic location: 11q12.2.
Variant type: single nucleotide variant.
Coding change: c.1771G>C on transcript NM_001127392.3 (MANE Select); coding-DNA position 1771, G replaced by C.
Protein change: p.Ala591Pro; replaces alanine 591 with proline.
Molecular consequence: missense variant.
Genome position (GRCh38, 1-based): chr11:61,777,444, G>C. VCF-style: chr11-61777444-G-C. GRCh37 (hg19) VCF-style: chr11-61544916-G-C.
Other names: c.1744G>C, p.Ala582Pro (NM_013279.4); short protein forms A582P, A591P.
Identifiers: ClinVar variation 5019788 (VCV005019788.2).